The following is an entry in ClinVar:

ClinVar aggregate classification (germline): Uncertain significance. Review status: criteria provided, multiple submitters, no conflicts (2 of 4 stars). 2 submissions from 2 submitters: Uncertain significance (2). Last evaluated 2024-11-05.

Conditions:
Inborn genetic diseases. Identifiers: MedGen C0950123, MeSH D030342.

Allele frequency attached by ClinVar (database versions not stated): gnomAD 0.00001; ExAC 0.00002.

Submissions (2):

Labcorp Genetics (formerly Invitae), Labcorp
Classification: Uncertain significance. Last evaluated: 2024-11-05. Review status: criteria provided, single submitter. Criteria: Invitae Variant Classification Sherloc (09022015). Collection method: clinical testing. Allele origin: germline.
Comment: This sequence change replaces glycine, which is neutral and non-polar, with alanine, which is neutral and non-polar, at codon 129 of the P3H2 protein (p.Gly129Ala). This variant is present in population databases (rs761326963, gnomAD 0.004%). This variant has not been reported in the literature in individuals affected with P3H2-related conditions. ClinVar contains an entry for this variant (Variation ID: 2033538). Invitae Evidence Modeling of protein sequence and biophysical properties (such as structural, functional, and spatial information, amino acid conservation, physicochemical variation, residue mobility, and thermodynamic stability) indicates that this missense variant is not expected to disrupt P3H2 protein function with a negative predictive value of 80%. In summary, the available evidence is currently insufficient to determine the role of this variant in disease. Therefore, it has been classified as a Variant of Uncertain Significance.

Ambry Genetics
Classification: Uncertain significance for Inborn genetic diseases. Last evaluated: 2021-10-12. Review status: criteria provided, single submitter. Criteria: Ambry Variant Classification Scheme 2023. Collection method: clinical testing. Allele origin: germline.

NM_018192.4(P3H2):c.386G>C (p.Gly129Ala)

Gene: P3H2 (prolyl 3-hydroxylase 2; minus strand). Cytogenetic location: 3q28.
Variant type: single nucleotide variant.
Coding change: c.386G>C on transcript NM_018192.4 (MANE Select); coding-DNA position 386, G replaced by C.
Protein change: p.Gly129Ala; replaces glycine 129 with alanine.
Molecular consequence: missense variant. On other transcripts: intron variant (1).
Genome position (GRCh38, 1-based): chr3:190,120,346, C>G on the plus strand (G>C on the coding strand, the complement: P3H2 is on the minus strand). VCF-style: chr3-190120346-C-G. GRCh37 (hg19) VCF-style: chr3-189838135-C-G.
Other names: c.-64+1857G>C (NM_001134418.2); short protein forms G129A.
Identifiers: ClinVar variation 2033538 (VCV002033538.5), dbSNP rs761326963, ClinGen allele CA2753382.